The following is an entry in ClinVar:

ClinVar aggregate classification (germline): Uncertain significance (1 of 4 stars; one submission).

Submission:

GeneDx
Classification: Uncertain significance. Last evaluated: 2025-04-02. Review status: criteria provided, single submitter. Criteria: GeneDx Variant Classification Process June 2021. Collection method: clinical testing. Allele origin: germline. Affected: yes.
Comment: Not observed at significant frequency in large population cohorts (gnomAD); In silico analysis supports that this missense variant has a deleterious effect on protein structure/function; Has not been previously published as pathogenic or benign to our knowledge

NM_000053.4(ATP7B):c.3790A>G (p.Met1264Val)

Gene: ATP7B (ATPase copper transporting beta; minus strand). Cytogenetic location: 13q14.3.
Variant type: single nucleotide variant.
Coding change: c.3790A>G on transcript NM_000053.4 (MANE Select); coding-DNA position 3790, A replaced by G.
Protein change: p.Met1264Val; replaces methionine 1264 with valine.
Molecular consequence: missense variant. On other transcripts: intron variant (1).
Genome position (GRCh38, 1-based): chr13:51,937,589, T>C on the plus strand (A>G on the coding strand, the complement: ATP7B is on the minus strand). VCF-style: chr13-51937589-T-C. GRCh37 (hg19) VCF-style: chr13-52511725-T-C.
Other names: c.3169A>G, p.Met1057Val (NM_001005918.3); c.3457A>G, p.Met1153Val (NM_001243182.2); c.3556A>G, p.Met1186Val (NM_001330578.2, NM_001406527.1, NM_001406528.1); c.3538A>G, p.Met1180Val (NM_001330579.2, NM_001406531.1, NM_001406532.1); c.3790A>G, p.Met1264Val (NM_001406511.1, NM_001406512.1); c.3784A>G, p.Met1262Val (NM_001406513.1); c.3757A>G, p.Met1253Val (NM_001406514.1); c.3736A>G, p.Met1246Val (NM_001406515.1, NM_001406516.1); and 21 more; short protein forms M1037V, M1048V, M1057V, M1070V, M1100V, M1102V, M1115V, M1121V.
Identifiers: ClinVar variation 4278907 (VCV004278907.1).